The following is an entry in ClinVar:

ClinVar aggregate classification (germline): Uncertain significance. Review status: criteria provided, multiple submitters, no conflicts (2 of 4 stars). 6 submissions from 6 submitters: Uncertain significance (6). Last evaluated 2025-03-26.

Conditions:
Hereditary nonpolyposis colorectal neoplasms. Identifiers: MedGen C0009405, MeSH D003123.
Hereditary cancer-predisposing syndrome. Also called: Hereditary Cancer Syndrome; Hereditary neoplastic syndrome; Neoplastic Syndromes, Hereditary; Tumor predisposition. Identifiers: Orphanet 140162, MedGen C0027672, MeSH D009386, MONDO:0015356.
Lynch syndrome. Identifiers: Orphanet 144, MedGen C4552100, MONDO:0005835. Disease mechanism: loss of function.
Endometrial carcinoma. Also called: Endometrial carcinoma, somatic. Identifiers: MedGen C0476089, MONDO:0002447, OMIM 608089, HP:0012114.

gnomAD v4.1: 1 of 1,614,210 alleles (0.000062%); highest among the groups gnomAD compares: Non-Finnish European, 0.000085%; no homozygotes.

Submissions (6):

Labcorp Genetics (formerly Invitae), Labcorp
Classification: Uncertain significance for Hereditary nonpolyposis colorectal neoplasms. Last evaluated: 2025-03-26. Review status: criteria provided, single submitter. Criteria: Invitae Variant Classification Sherloc (09022015). Collection method: clinical testing. Allele origin: germline.
Comment: This sequence change replaces alanine, which is neutral and non-polar, with valine, which is neutral and non-polar, at codon 339 of the MSH6 protein (p.Ala339Val). This variant is not present in population databases (gnomAD no frequency). This variant has not been reported in the literature in individuals affected with MSH6-related conditions. ClinVar contains an entry for this variant (Variation ID: 455109). Invitae Evidence Modeling of protein sequence and biophysical properties (such as structural, functional, and spatial information, amino acid conservation, physicochemical variation, residue mobility, and thermodynamic stability) indicates that this missense variant is not expected to disrupt MSH6 protein function with a negative predictive value of 95%. In summary, the available evidence is currently insufficient to determine the role of this variant in disease. Therefore, it has been classified as a Variant of Uncertain Significance.

All of Us Research Program, National Institutes of Health
Classification: Uncertain significance for Lynch syndrome. Last evaluated: 2024-07-10. Review status: criteria provided, single submitter. Criteria: ACMG Guidelines, 2015. Collection method: clinical testing. Allele origin: germline. Inheritance: Autosomal dominant inheritance. Observed: 1 variant allele, 1 heterozygote.
Comment: This missense variant replaces alanine with valine at codon 339 of the MSH6 protein. Computational prediction suggests that this variant may not impact protein structure and function (internally defined REVEL score threshold <= 0.5, PMID: 27666373). To our knowledge, functional studies have not been reported for this variant. This variant has not been reported in individuals affected with MSH6-related disorders in the literature. This variant has not been identified in the general population by the Genome Aggregation Database (gnomAD). The available evidence is insufficient to determine the role of this variant in disease conclusively. Therefore, this variant is classified as a Variant of Uncertain Significance.

This study involves interpretation of variants in research participants for the purpose of population health screening. Participant phenotype was not available at the time of variant classification. Additional details can be found in publication PMID: 35346344, PMCID: PMC8962531

GeneDx
Classification: Uncertain significance. Last evaluated: 2024-06-03. Review status: criteria provided, single submitter. Criteria: GeneDx Variant Classification Process June 2021. Collection method: clinical testing. Allele origin: germline. Affected: yes.
Comment: Not observed at significant frequency in large population cohorts (gnomAD); In silico analysis indicates that this missense variant does not alter protein structure/function; Has not been previously published as pathogenic or benign to our knowledge; This variant is associated with the following publications: (PMID: 26689913, 35596629, 21437237)

Clinical Genetics Laboratory, Skane University Hospital Lund
Classification: Uncertain significance. Last evaluated: 2024-01-22. Review status: criteria provided, single submitter. Criteria: ACMG Guidelines, 2015. Collection method: clinical testing. Allele origin: germline. Affected: yes.

Ambry Genetics
Classification: Uncertain significance for Hereditary cancer-predisposing syndrome. Last evaluated: 2024-01-09. Review status: criteria provided, single submitter. Criteria: Ambry Variant Classification Scheme 2023. Collection method: clinical testing. Allele origin: germline.
Comment: The p.A339V variant (also known as c.1016C>T), located in coding exon 4 of the MSH6 gene, results from a C to T substitution at nucleotide position 1016. The alanine at codon 339 is replaced by valine, an amino acid with similar properties. This amino acid position is not well conserved in available vertebrate species. In addition, the in silico prediction for this alteration is inconclusive. Since supporting evidence is limited at this time, the clinical significance of this alteration remains unclear.

Baylor Genetics
Classification: Uncertain significance for Endometrial carcinoma. Last evaluated: 2023-12-15. Review status: criteria provided, single submitter. Criteria: ACMG Guidelines, 2015. Collection method: clinical testing. Allele origin: unknown.

NM_000179.3(MSH6):c.1016C>T (p.Ala339Val)

Gene: MSH6 (mutS homolog 6; plus strand). Cytogenetic location: 2p16.3.
Variant type: single nucleotide variant.
Coding change: c.1016C>T on transcript NM_000179.3 (MANE Select); coding-DNA position 1016, C replaced by T.
Protein change: p.Ala339Val; replaces alanine 339 with valine.
Molecular consequence: missense variant.
Genome position (GRCh38, 1-based): chr2:47,798,999, C>T. VCF-style: chr2-47798999-C-T. GRCh37 (hg19) VCF-style: chr2-48026138-C-T.
Other names: c.626C>T, p.Ala209Val (NM_001281492.2); c.110C>T, p.Ala37Val (NM_001281493.2, NM_001281494.2); short protein forms A339V, A37V, A209V.
Identifiers: ClinVar variation 455109 (VCV000455109.17), dbSNP rs587780669, ClinGen allele CA346741306.
Genomic context (GRCh38, chr2:47,798,999, plus strand): 5'-CGCCCTCAGCCACCAAACAAGCAACTAGCATTTCATCAGAAACCAAGAATACTTTGAGAG[C>T]TTTCTCTGCCCCTCAAAATTCTGAATCCCAAGCCCACGTTAGTGGAGGTGGTGATGACAG-3'
Protein context (NP_000170.1, residues 329-349): ISSETKNTLR[Ala339Val]FSAPQNSESQ